The following is an entry in ClinVar:

ClinVar aggregate classification (germline): Benign/Likely benign. Review status: criteria provided, multiple submitters, no conflicts (2 of 4 stars). 3 submissions from 3 submitters: Benign (1); Likely benign (2). Last evaluated 2026-01-04.

Conditions:
RASopathy. Also called: rasopathies; Noonan spectrum disorder. Identifiers: Orphanet 536391, MedGen C5555857, MONDO:0021060.

Allele frequency attached by ClinVar (database versions not stated): gnomAD exomes 0.00001 and 0.00003; ExAC 0.00003; TOPMed 0.00008; gnomAD 0.00011; ESP Exome Variant Server 0.00015.
gnomAD v4.1: 37 of 1,613,876 alleles (0.0023%); highest among the groups gnomAD compares: African/African-American, 0.033%; no homozygotes.

Submissions (3):

Labcorp Genetics (formerly Invitae), Labcorp
Classification: Likely benign for RASopathy. Last evaluated: 2026-01-04. Review status: criteria provided, single submitter. Criteria: Invitae Variant Classification Sherloc (09022015). Collection method: clinical testing. Allele origin: germline.

Women's Health and Genetics/Laboratory Corporation of America, LabCorp
Classification: Benign. Last evaluated: 2021-04-15. Review status: criteria provided, single submitter. Criteria: LabCorp Variant Classification Summary - May 2015. Collection method: clinical testing. Allele origin: germline.
Comment: Variant summary: CBL c.1432-6C>T alters a non-conserved nucleotide located close to a canonical splice site and therefore could affect mRNA splicing, leading to a significantly altered protein sequence. 4/4 computational tools predict no significant impact on normal splicing. However, these predictions have yet to be confirmed by functional studies. The variant allele was found at a frequency of 3.9e-05 in 282818 control chromosomes, predominantly at a frequency of 0.0004 within the African or African-American subpopulation in the gnomAD database. The observed variant frequency within African or African-American control individuals in the gnomAD database is approximately 160 fold of the estimated maximal expected allele frequency for a pathogenic variant in CBL causing Noonan Syndrome and Related Conditions phenotype (2.5e-06), strongly suggesting that the variant is a benign polymorphism found primarily in populations of African or African-American origin. To our knowledge, no occurrence of c.1432-6C>T in individuals affected with Noonan Syndrome and Related Conditions and no experimental evidence demonstrating its impact on protein function have been reported. One ClinVar submitter (evaluation after 2014) cite the variant as likely benign. Based on the evidence outlined above, the variant was classified as benign for Noonan Syndrome and Related Conditions.

Genetic Services Laboratory, University of Chicago
Classification: Likely benign. Last evaluated: 2019-04-25. Review status: criteria provided, single submitter. Criteria: ACMG Guidelines, 2015. Collection method: clinical testing. Allele origin: germline. Affected: no.

NM_005188.4(CBL):c.1432-6C>T

Gene: CBL (Cbl proto-oncogene; plus strand). Cytogenetic location: 11q23.3.
Variant type: single nucleotide variant.
Coding change: c.1432-6C>T on transcript NM_005188.4 (MANE Select); 6 bases into the intron before coding-DNA position 1432, C replaced by T.
Molecular consequence: intron variant.
Genome position (GRCh38, 1-based): chr11:119,284,963, C>T. VCF-style: chr11-119284963-C-T. GRCh37 (hg19) VCF-style: chr11-119155673-C-T.
Identifiers: ClinVar variation 697967 (VCV000697967.15), dbSNP rs371919794, ClinGen allele CA6318529.